The following is an entry in ClinVar:

ClinVar aggregate classification (germline): Pathogenic (1 of 4 stars; one submission).

Submission:

ISCA Site 6
Classification: Pathogenic. Last evaluated: 2011-08-12. Review status: criteria provided, single submitter. Criteria: Kaminsky et al. (Genet Med. 2011). Collection method: clinical testing. Allele origin: maternal, paternal. Affected: yes. Observed: 2 variant alleles.
Comment: Copy number variation identified through the course of routine clinical cytogenomic testing in postnatal populations. Clinical assertions have been curated as described in Kaminsky et al. 2011.

GRCh38/hg38 15q13.2-13.3(chr15:30634533-32121422)x1

Genes: ARHGAP11B (Rho GTPase activating protein 11B), LINC03034 (long intergenic non-protein coding RNA 3034; minus strand), CHRNA7 (cholinergic receptor nicotinic alpha 7 subunit), FAN1 (FANCD2 and FANCI associated nuclease 1; plus strand), KLF13 (KLF transcription factor 13; plus strand) and 21 more. Cytogenetic location: 15q13.2-13.3.
Variant type: copy number loss.
Change: copy number 1 (one copy instead of two) of chr15:30,634,533-32,121,422 (1.49 Mb, GRCh38 coordinates, 1-based), cytogenetic band 15q13.2-13.3.
Identifiers: ClinVar variation 58679 (VCV000058679.2).